The following is an entry in ClinVar:

NM_000026.4(ADSL):c.908G>A (p.Arg303His)

Gene: ADSL (adenylosuccinate lyase; plus strand). Cytogenetic location: 22q13.1.
Variant type: single nucleotide variant.
Coding change: c.908G>A on transcript NM_000026.4 (MANE Select); coding-DNA position 908, G replaced by A.
Protein change: p.Arg303His; replaces arginine 303 with histidine.
Molecular consequence: missense variant. On other transcripts: non-coding transcript variant (1).
Genome position (GRCh38, 1-based): chr22:40,361,533, G>A. VCF-style: chr22-40361533-G-A. GRCh37 (hg19) VCF-style: chr22-40757537-G-A.
Other names: c.908G>A, p.Arg303His (NM_001123378.3, NM_001363840.3, NM_001410812.1 and 1 more transcripts); c.716G>A, p.Arg239His (NM_001317923.2); c.863G>A, p.Arg288His (NM_001410814.1); short protein forms R239H, R303H, R288H.
Identifiers: ClinVar variation 2998317 (VCV002998317.3), dbSNP rs1235670046, ClinGen allele CA411643993.

ClinVar aggregate classification (germline): Uncertain significance (1 of 4 stars; one submission).

Conditions:
Adenylosuccinate lyase deficiency (ADSLD). Also called: ADSL DEFICIENCY. Identifiers: Orphanet 46, MedGen C0268126, MONDO:0007068, OMIM 103050.

Allele frequency attached by ClinVar (database versions not stated): gnomAD 0.00001; gnomAD exomes 0.00001.
gnomAD v4.1: 15 of 1,614,088 alleles (0.00093%); highest among the groups gnomAD compares: East Asian, 0.0067%; no homozygotes.

Submission:

Labcorp Genetics (formerly Invitae), Labcorp
Classification: Uncertain significance for Adenylosuccinate lyase deficiency. Last evaluated: 2024-04-05. Review status: criteria provided, single submitter. Criteria: Invitae Variant Classification Sherloc (09022015). Collection method: clinical testing. Allele origin: germline.
Comment: This sequence change replaces arginine, which is basic and polar, with histidine, which is basic and polar, at codon 303 of the ADSL protein (p.Arg303His). This variant is present in population databases (no rsID available, gnomAD 0.002%). This variant has not been reported in the literature in individuals affected with ADSL-related conditions. Advanced modeling of protein sequence and biophysical properties (such as structural, functional, and spatial information, amino acid conservation, physicochemical variation, residue mobility, and thermodynamic stability) performed at Invitae indicates that this missense variant is expected to disrupt ADSL protein function with a positive predictive value of 80%. This variant disrupts the p.Arg303 amino acid residue in ADSL. Other variant(s) that disrupt this residue have been determined to be pathogenic (PMID: 3234432, 10090474, 10958654). This suggests that this residue is clinically significant, and that variants that disrupt this residue are likely to be disease-causing. In summary, the available evidence is currently insufficient to determine the role of this variant in disease. Therefore, it has been classified as a Variant of Uncertain Significance.

Literature cited by the submitters: PubMed 3234432; PubMed 10090474; PubMed 10958654.